The following is an entry in ClinVar:

NM_000548.5(TSC2):c.5291G>C (p.Ser1764Thr)

Gene: TSC2 (TSC complex subunit 2; plus strand). Cytogenetic location: 16p13.3.
Variant type: single nucleotide variant.
Coding change: c.5291G>C on transcript NM_000548.5 (MANE Select); coding-DNA position 5291, G replaced by C.
Protein change: p.Ser1764Thr; replaces serine 1764 with threonine.
Molecular consequence: missense variant.
Genome position (GRCh38, 1-based): chr16:2,088,477, G>C. VCF-style: chr16-2088477-G-C. GRCh37 (hg19) VCF-style: chr16-2138478-G-C.
Other names: c.5291G>C (NM_000548.3); c.5162G>C, p.Ser1721Thr (NM_021055.3); c.5150G>C, p.Ser1717Thr (NM_001370405.1); c.5090G>C, p.Ser1697Thr (NM_001077183.3); c.5222G>C, p.Ser1741Thr (NM_001114382.3); c.4982G>C, p.Ser1661Thr (NM_001318827.2); c.4946G>C, p.Ser1649Thr (NM_001318829.2); c.4559G>C, p.Ser1520Thr (NM_001318831.2); and 3 more; short protein forms S1520T, S1649T, S1661T, S1697T, S1698T, S1708T, S1717T, S1720T.
Identifiers: ClinVar variation 1005314 (VCV001005314.9), dbSNP rs138831802, ClinGen allele CA394315277.

ClinVar aggregate classification (germline): Uncertain significance. Review status: criteria provided, multiple submitters, no conflicts (2 of 4 stars). 2 submissions from 2 submitters: Uncertain significance (2). Last evaluated 2025-02-15.

Conditions:
Tuberous sclerosis 2 (TSC2). Identifiers: Orphanet 805, MedGen C1860707, MONDO:0013199, OMIM 613254.
Hereditary cancer-predisposing syndrome. Also called: Hereditary neoplastic syndrome; Neoplastic Syndromes, Hereditary; Tumor predisposition; Hereditary Cancer Syndrome. Identifiers: Orphanet 140162, MedGen C0027672, MeSH D009386, MONDO:0015356.

gnomAD v4.1: 1 of 1,612,868 alleles (0.000062%); highest among the groups gnomAD compares: Non-Finnish European, 0.000085%; no homozygotes.

Submissions (2):

Ambry Genetics
Classification: Uncertain significance for Hereditary cancer-predisposing syndrome. Last evaluated: 2025-02-15. Review status: criteria provided, single submitter. Criteria: Ambry Variant Classification Scheme 2023. Collection method: clinical testing. Allele origin: germline.
Comment: The p.S1764T variant (also known as c.5291G>C), located in coding exon 41 of the TSC2 gene, results from a G to C substitution at nucleotide position 5291. The serine at codon 1764 is replaced by threonine, an amino acid with similar properties. This amino acid position is conserved. In addition, the in silico prediction for this alteration is inconclusive. Based on the available evidence, the clinical significance of this variant remains unclear.

Labcorp Genetics (formerly Invitae), Labcorp
Classification: Uncertain significance for Tuberous sclerosis 2. Last evaluated: 2021-08-19. Review status: criteria provided, single submitter. Criteria: Invitae Variant Classification Sherloc (09022015). Collection method: clinical testing. Allele origin: germline.
Comment: In summary, the available evidence is currently insufficient to determine the role of this variant in disease. Therefore, it has been classified as a Variant of Uncertain Significance. Advanced modeling of protein sequence and biophysical properties (such as structural, functional, and spatial information, amino acid conservation, physicochemical variation, residue mobility, and thermodynamic stability) performed at Invitae indicates that this missense variant is not expected to disrupt TSC2 protein function. This variant has not been reported in the literature in individuals with TSC2-related conditions. This variant is not present in population databases (ExAC no frequency). This sequence change replaces serine with threonine at codon 1764 of the TSC2 protein (p.Ser1764Thr). The serine residue is weakly conserved and there is a small physicochemical difference between serine and threonine.